The following is an entry in ClinVar:

ClinVar aggregate classification (germline): Likely benign (0 of 4 stars; one submission).

Conditions:
DNAH7-related disorder. Also called: DNAH7-related condition.

Allele frequency attached by ClinVar (database versions not stated): gnomAD exomes 0.00019; ExAC 0.00044; ESP Exome Variant Server 0.00133; gnomAD 0.00148; TOPMed 0.00155; 1000 Genomes Project 0.00160; 1000 Genomes Project 30x 0.00219.
gnomAD v4.1: 514 of 1,614,096 alleles (0.032%); highest among the groups gnomAD compares: African/African-American, 0.53%; no homozygotes.

Submission:

PreventionGenetics, part of Exact Sciences
Classification: Likely benign for DNAH7-related condition. Last evaluated: 2022-11-11. Review status: no assertion criteria provided. Collection method: clinical testing. Allele origin: germline.
Comment: This variant is classified as likely benign based on ACMG/AMP sequence variant interpretation guidelines (Richards et al. 2015 PMID: 25741868, with internal and published modifications).

NM_018897.3(DNAH7):c.10689G>A (p.Pro3563=)

Gene: DNAH7 (dynein axonemal heavy chain 7; minus strand). Cytogenetic location: 2q32.3.
Variant type: single nucleotide variant.
Coding change: c.10689G>A on transcript NM_018897.3 (MANE Select); coding-DNA position 10689, G replaced by A.
Protein change: p.Pro3563=; no amino-acid change (proline 3563 retained).
Molecular consequence: synonymous variant.
Genome position (GRCh38, 1-based): chr2:195,794,365, C>T on the plus strand (G>A on the coding strand, the complement: DNAH7 is on the minus strand). VCF-style: chr2-195794365-C-T. GRCh37 (hg19) VCF-style: chr2-196659089-C-T.
Identifiers: ClinVar variation 3040767 (VCV003040767.2), dbSNP rs114520355, ClinGen allele CA2033990.